The following is an entry in ClinVar:

ClinVar aggregate classification (germline): Conflicting classifications of pathogenicity. Review status: criteria provided, conflicting classifications (1 of 4 stars). 2 submissions from 2 submitters: Uncertain significance (1); Likely benign (1). Last evaluated 2024-09-24.

Conditions:
Autosomal dominant nonsyndromic hearing loss 65. Also called: Deafness, autosomal dominant 65; TBC1D24-Related Autosomal Dominant Nonsyndromic Hearing Loss (DFNA). Identifiers: Orphanet 90635, MedGen C3892048, MONDO:0014470, OMIM 616044.
Developmental and epileptic encephalopathy, 1 (DEE1). Also called: X-linked infantile spasms; West's syndrome; Tonic spasms with clustering, arrest of psychomotor development and hypsarrhythmia on EEG; X-Linked Infantile Spasm Syndrome; OHTAHARA SYNDROME, X-LINKED; INFANTILE SPASM SYNDROME, X-LINKED 1. Identifiers: MedGen C3463992, MONDO:0010632, OMIM 308350. Disease mechanism: loss of function.

Allele frequency attached by ClinVar (database versions not stated): ExAC 0.00001.
gnomAD v4.1: 3 of 1,611,868 alleles (0.00019%); highest among the groups gnomAD compares: African/African-American, 0.0027%; no homozygotes.

Submissions (2):

Labcorp Genetics (formerly Invitae), Labcorp
Classification: Likely benign for Developmental and epileptic encephalopathy, 1; Autosomal dominant nonsyndromic hearing loss 65. Last evaluated: 2024-09-24. Review status: criteria provided, single submitter. Criteria: Invitae Variant Classification Sherloc (09022015). Collection method: clinical testing. Allele origin: germline.

GeneDx
Classification: Uncertain significance. Last evaluated: 2022-12-05. Review status: criteria provided, single submitter. Criteria: GeneDx Variant Classification Process June 2021. Collection method: clinical testing. Allele origin: germline. Affected: yes.
Comment: Not observed at significant frequency in large population cohorts (gnomAD); In silico analysis supports that this variant does not alter splicing; Has not been previously published as pathogenic or benign to our knowledge

NM_001199107.2(TBC1D24):c.477G>C (p.Leu159=)

Gene: TBC1D24 (TBC1 domain family member 24; plus strand). Cytogenetic location: 16p13.3.
Variant type: single nucleotide variant.
Coding change: c.477G>C on transcript NM_001199107.2 (MANE Select); coding-DNA position 477, G replaced by C.
Protein change: p.Leu159=; no amino-acid change (leucine 159 retained).
Molecular consequence: synonymous variant.
Genome position (GRCh38, 1-based): chr16:2,496,625, G>C. VCF-style: chr16-2496625-G-C. GRCh37 (hg19) VCF-style: chr16-2546626-G-C.
Other names: c.477G>C, p.Leu159= (NM_020705.3); c.477G>C (NM_001199107.1).
Identifiers: ClinVar variation 2194848 (VCV002194848.5), dbSNP rs756939943, ClinGen allele CA7844007.